The following is an entry in ClinVar:

ClinVar aggregate classification (germline): Uncertain significance (1 of 4 stars; one submission).

Conditions:
Early-infantile DEE. Also called: Ohtahara syndrome; Early infantile epileptic encephalopathy with suppression bursts; Early infantile epileptic encephalopathy. Identifiers: Orphanet 1934, MedGen C0393706, MONDO:0800491.

Submission:

Labcorp Genetics (formerly Invitae), Labcorp
Classification: Uncertain significance for Early-infantile DEE. Last evaluated: 2020-07-08. Review status: criteria provided, single submitter. Criteria: Invitae Variant Classification Sherloc (09022015). Collection method: clinical testing. Allele origin: germline.
Comment: This variant is not present in population databases (ExAC no frequency). This sequence change replaces lysine with glutamic acid at codon 1834 of the SPTAN1 protein (p.Lys1834Glu). The lysine residue is highly conserved and there is a small physicochemical difference between lysine and glutamic acid. This variant has not been reported in the literature in individuals with SPTAN1-related conditions. Algorithms developed to predict the effect of missense changes on protein structure and function (SIFT, PolyPhen-2, Align-GVGD) all suggest that this variant is likely to be tolerated, but these predictions have not been confirmed by published functional studies and their clinical significance is uncertain. In summary, the available evidence is currently insufficient to determine the role of this variant in disease. Therefore, it has been classified as a Variant of Uncertain Significance.

NM_001130438.3(SPTAN1):c.5500A>G (p.Lys1834Glu)

Gene: SPTAN1 (spectrin alpha, non-erythrocytic 1; plus strand). Cytogenetic location: 9q34.11.
Variant type: single nucleotide variant.
Coding change: c.5500A>G on transcript NM_001130438.3 (MANE Select); coding-DNA position 5500, A replaced by G.
Protein change: p.Lys1834Glu; replaces lysine 1834 with glutamic acid.
Molecular consequence: missense variant.
Genome position (GRCh38, 1-based): chr9:128,618,008, A>G. VCF-style: chr9-128618008-A-G. GRCh37 (hg19) VCF-style: chr9-131380287-A-G.
Other names: c.5425A>G, p.Lys1809Glu (NM_001195532.2); c.5500A>G, p.Lys1834Glu (NM_001363759.2, NM_001375310.1, NM_001375311.2 and 1 more transcripts); c.5440A>G, p.Lys1814Glu (NM_001363765.2, NM_001375314.2); c.5536A>G, p.Lys1846Glu (NM_001375312.2, NM_001375318.1); c.5485A>G, p.Lys1829Glu (NM_003127.4); short protein forms K1809E, K1814E, K1829E, K1834E, K1846E.
Identifiers: ClinVar variation 1064118 (VCV001064118.10), dbSNP rs2131798457, ClinGen allele CA375076870.
Genomic context (GRCh38, chr9:128,618,008, plus strand): 5'-GAGCTACCTGCTGTTAACCTCCTCGTCCTTGCCTGTCAGGGTGTCCTGGACACTGGCAAG[A>G]AGCTGTCCGATGACAACACCATCGGGAAAGAGGAGATCCAGCAGCGGCTGGCGCAGTTTG-3'
Protein context (NP_001123910.1, residues 1824-1844): AIQGVLDTGK[Lys1834Glu]LSDDNTIGKE